The following is an entry in ClinVar:

ClinVar aggregate classification (germline): Pathogenic (1 of 4 stars; one submission).

Conditions:
Hydrocephalus, nonsyndromic, autosomal recessive 2. Also called: Hydrocephalus, congenital, 2, with or without brain or eye anomalies. Identifiers: Orphanet 2185, MedGen C3554691, MONDO:0014085, OMIM 615219.

Submission:

Juno Genomics, Hangzhou Juno Genomics, Inc
Classification: Pathogenic for Hydrocephalus, nonsyndromic, autosomal recessive 2. Review status: criteria provided, single submitter. Criteria: ACMG Guidelines, 2015. Collection method: clinical testing. Allele origin: germline. Affected: yes.
Comment: Null variant in a gene where loss of function (LOF) is a known mechanism of disease.;Absent from controls (or at extremely low frequency if recessive) in Genome Aggregation Database, Exome Sequencing Project, 1000 Genomes Project, or Exome Aggregation Consortium.;Patient's phenotype or family history is highly specific for a disease with a single genetic etiology.

NM_001378778.1(MPDZ):c.2633dup (p.Ser879fs)

Gene: MPDZ (multiple PDZ domain crumbs cell polarity complex component; minus strand). Cytogenetic location: 9p23.
Variant type: Duplication.
Coding change: c.2633dup on transcript NM_001378778.1 (MANE Select); coding-DNA position 2633, one base duplicated (C; older notation c.2633dupC).
Protein change: p.Ser879fs; shifts the reading frame from serine 879.
Molecular consequence: frameshift variant.
Genome position (GRCh38, 1-based): chr9:13,183,434, G duplicated on the plus strand (C on the coding strand, the reverse complement: MPDZ is on the minus strand); the first of 2 consecutive G bases (chr9:13,183,434-13,183,435); duplicating either gives the same sequence. VCF-style (leftmost placement, unchanged base first): chr9-13183433-T-TG. GRCh37 (hg19) VCF-style: chr9-13183432-T-TG.
Other names: c.2633dup, p.Ser879fs (NM_001330637.2, NM_001375413.1, NM_001375416.1 and 14 more transcripts); short protein forms S879fs.
Identifiers: ClinVar variation 3383154 (VCV003383154.2).